The following is an entry in ClinVar:

ClinVar aggregate classification (germline): Uncertain significance (1 of 4 stars; one submission).

Allele frequency attached by ClinVar (database versions not stated): gnomAD 0.00001; ExAC 0.00002.
gnomAD v4.1: 12 of 1,613,348 alleles (0.00074%); highest among the groups gnomAD compares: Non-Finnish European, 0.001%; no homozygotes.

Submission:

Labcorp Genetics (formerly Invitae), Labcorp
Classification: Uncertain significance. Last evaluated: 2024-10-18. Review status: criteria provided, single submitter. Criteria: Invitae Variant Classification Sherloc (09022015). Collection method: clinical testing. Allele origin: germline.
Comment: This sequence change replaces histidine, which is basic and polar, with glutamine, which is neutral and polar, at codon 236 of the TNNI3K protein (p.His236Gln). This variant is present in population databases (rs755743567, gnomAD 0.003%). This variant has not been reported in the literature in individuals affected with TNNI3K-related conditions. ClinVar contains an entry for this variant (Variation ID: 1946232). Invitae Evidence Modeling of protein sequence and biophysical properties (such as structural, functional, and spatial information, amino acid conservation, physicochemical variation, residue mobility, and thermodynamic stability) indicates that this missense variant is not expected to disrupt TNNI3K protein function with a negative predictive value of 80%. In summary, the available evidence is currently insufficient to determine the role of this variant in disease. Therefore, it has been classified as a Variant of Uncertain Significance.

NM_015978.3(TNNI3K):c.708T>G (p.His236Gln)

Genes: FPGT-TNNI3K (FPGT-TNNI3K readthrough; plus strand), TNNI3K (TNNI3 interacting kinase; plus strand). Cytogenetic location: 1p31.1.
Variant type: single nucleotide variant.
Coding change: c.708T>G on transcript NM_015978.3 (MANE Select); coding-DNA position 708, T replaced by G.
Protein change: p.His236Gln; replaces histidine 236 with glutamine.
Molecular consequence: missense variant.
Genome position (GRCh38, 1-based): chr1:74,342,867, T>G. VCF-style: chr1-74342867-T-G. GRCh37 (hg19) VCF-style: chr1-74808551-T-G.
Other names: c.1011T>G, p.His337Gln (NM_001112808.3, NM_001199327.2); short protein forms H337Q, H236Q.
Identifiers: ClinVar variation 1946232 (VCV001946232.5), dbSNP rs755743567, ClinGen allele CA908992.